The following is an entry in ClinVar:

ClinVar aggregate classification (germline): Uncertain significance (1 of 4 stars; one submission).

gnomAD v4.1: 34 of 1,613,442 alleles (0.0021%); highest among the groups gnomAD compares: South Asian, 0.015%; 1 homozygote.

Submission:

Ambry Genetics
Classification: Uncertain significance. Last evaluated: 2026-08-17. Review status: criteria provided, single submitter. Criteria: Ambry Variant Classification Scheme 2023. Collection method: clinical testing. Allele origin: germline.
Comment: The c.1208A>G (p.Y403C) alteration is located in exon 5 (coding exon 4) of the ZNF790 gene. This alteration results from a A to G substitution at nucleotide position 1208, causing the tyrosine (Y) at amino acid position 403 to be replaced by a cysteine (C). Based on data from gnomAD, the G allele has an overall frequency of 0.003% (9/281950) total alleles studied. The highest observed frequency was 0.016% (5/30548) of South Asian alleles. Based on insufficient or conflicting evidence, the clinical significance of this alteration remains unclear.

NM_206894.4(ZNF790):c.1208A>G (p.Tyr403Cys)

Genes: ZNF790 (zinc finger protein 790; minus strand), ZNF790-AS1 (ZNF790 antisense RNA 1; plus strand). Cytogenetic location: 19q13.12.
Variant type: single nucleotide variant.
Coding change: c.1208A>G on transcript NM_206894.4 (MANE Select); coding-DNA position 1208, A replaced by G.
Protein change: p.Tyr403Cys; replaces tyrosine 403 with cysteine.
Molecular consequence: missense variant.
Genome position (GRCh38, 1-based): chr19:36,819,136, T>C on the plus strand (A>G on the coding strand, the complement: ZNF790 is on the minus strand). VCF-style: chr19-36819136-T-C. GRCh37 (hg19) VCF-style: chr19-37310038-T-C.
Other names: c.1208A>G, p.Tyr403Cys (NM_001242800.2, NM_001242801.2, NM_001242802.2); short protein forms Y403C.
Identifiers: ClinVar variation 5032302 (VCV005032302.1).